The following is an entry in ClinVar:

ClinVar aggregate classification (germline): Likely benign (1 of 4 stars; one submission).

gnomAD v4.1: 5 of 1,613,882 alleles (0.00031%); highest among the groups gnomAD compares: African/African-American, 0.0013%; no homozygotes.

Submission:

CeGaT Center for Human Genetics Tuebingen
Classification: Likely benign. Last evaluated: 2024-11-01. Review status: criteria provided, single submitter. Criteria: CeGaT Center For Human Genetics Tuebingen Variant Classification Criteria Version 2. Collection method: clinical testing. Allele origin: germline. Affected: yes. Observed: 1 variant allele.
Comment: LRP4: BP4, BP7

NM_002334.4(LRP4):c.2722T>C (p.Leu908=)

Gene: LRP4 (LDL receptor related protein 4; minus strand). Cytogenetic location: 11p11.2.
Variant type: single nucleotide variant.
Coding change: c.2722T>C on transcript NM_002334.4 (MANE Select); coding-DNA position 2722, T replaced by C.
Protein change: p.Leu908=; no amino-acid change (leucine 908 retained).
Molecular consequence: synonymous variant.
Genome position (GRCh38, 1-based): chr11:46,881,794, A>G on the plus strand (T>C on the coding strand, the complement: LRP4 is on the minus strand). VCF-style: chr11-46881794-A-G. GRCh37 (hg19) VCF-style: chr11-46903345-A-G.
Identifiers: ClinVar variation 3388834 (VCV003388834.14).
Genomic context (GRCh38, chr11:46,881,794, plus strand): 5'-CAATTGTCTTCATGCCGGCGTCAGCCCAGTATAGACGCTGGGACCCATAATCAATAGCTA[A>G]CCCATTAGGCCAGGTCAGATTAGAAGAGATAATGACTTGGCGGCCTGAGGCATCCATGCC-3'
Protein context (NP_002325.2, residues 898-918): ISSNLTWPNG[Leu908=]AIDYGSQRLY